The following is an entry in ClinVar:

ClinVar aggregate classification (germline): Uncertain significance (1 of 4 stars; one submission).

Submission:

Labcorp Genetics (formerly Invitae), Labcorp
Classification: Uncertain significance. Last evaluated: 2025-06-29. Review status: criteria provided, single submitter. Criteria: Invitae Variant Classification Sherloc (09022015). Collection method: clinical testing. Allele origin: germline.
Comment: This variant, c.1057_1065dup, results in the insertion of 3 amino acid(s) of the SOX11 protein (p.Ser353_Gly355dup), but otherwise preserves the integrity of the reading frame. This variant is present in population databases (rs756643372, gnomAD 0.01%). This variant has not been reported in the literature in individuals affected with SOX11-related conditions. Experimental studies and prediction algorithms are not available or were not evaluated, and the functional significance of this variant is currently unknown. In summary, the available evidence is currently insufficient to determine the role of this variant in disease. Therefore, it has been classified as a Variant of Uncertain Significance.

NM_003108.4(SOX11):c.1048AGCAGCGGC[3] (p.Gly355_Glu356insSerSerGly)

Gene: SOX11 (SRY-box transcription factor 11; plus strand). Cytogenetic location: 2p25.2.
Variant type: Microsatellite.
Coding change: c.1048AGCAGCGGC[3] on transcript NM_003108.4 (MANE Select); three copies in a row of the 9-base unit AGCAGCGGC starting at c.1048; the reference has two copies in a row; one copy, 9 bases duplicated.
Protein change: p.Gly355_Glu356insSerSerGly.
Molecular consequence: inframe insertion.
Genome position (GRCh38, 1-based): chr2:5,693,778-5,693,786, AGCAGCGGC duplicated; duplicating any 9 consecutive bases within chr2:5,693,767-5,693,786 gives the same sequence; the position shown is the placement nearest the transcript's 3' end. VCF-style (leftmost placement, unchanged base first): chr2-5693766-A-AGCAGCAGCG. GRCh37 (hg19) VCF-style: chr2-5833898-A-AGCAGCAGCG.
Identifiers: ClinVar variation 4690814 (VCV004690814.1).